The following is an entry in ClinVar:

ClinVar aggregate classification (germline): Likely benign (1 of 4 stars; one submission).

Allele frequency attached by ClinVar (database versions not stated): gnomAD 0.00001; ExAC 0.00002; gnomAD exomes 0.00002.
gnomAD v4.1: 36 of 1,614,088 alleles (0.0022%); highest among the groups gnomAD compares: Non-Finnish European, 0.0027%; no homozygotes.

Submission:

CeGaT Center for Human Genetics Tuebingen
Classification: Likely benign. Last evaluated: 2023-01-01. Review status: criteria provided, single submitter. Criteria: CeGaT Center For Human Genetics Tuebingen Variant Classification Criteria Version 2. Collection method: clinical testing. Allele origin: germline. Affected: yes. Observed: 1 variant allele.
Comment: AFG3L2: BP4, BP7

NM_006796.3(AFG3L2):c.858C>T (p.Gly286=)

Gene: AFG3L2 (AFG3 like matrix AAA peptidase subunit 2; minus strand). Cytogenetic location: 18p11.21.
Variant type: single nucleotide variant.
Coding change: c.858C>T on transcript NM_006796.3 (MANE Select); coding-DNA position 858, C replaced by T.
Protein change: p.Gly286=; no amino-acid change (glycine 286 retained).
Molecular consequence: synonymous variant.
Genome position (GRCh38, 1-based): chr18:12,358,838, G>A on the plus strand (C>T on the coding strand, the complement: AFG3L2 is on the minus strand). VCF-style: chr18-12358838-G-A. GRCh37 (hg19) VCF-style: chr18-12358837-G-A.
Identifiers: ClinVar variation 2648596 (VCV002648596.24), dbSNP rs765629936, ClinGen allele CA8896643.